The following is an entry in ClinVar:

NM_003072.5(SMARCA4):c.290G>T (p.Gly97Val)

Gene: SMARCA4 (SWI/SNF related BAF chromatin remodeling complex subunit ATPase 4; plus strand). Cytogenetic location: 19p13.2.
Variant type: single nucleotide variant.
Coding change: c.290G>T on transcript NM_003072.5 (MANE Select); coding-DNA position 290, G replaced by T.
Protein change: p.Gly97Val; replaces glycine 97 with valine.
Molecular consequence: missense variant. On other transcripts: non-coding transcript variant (1).
Genome position (GRCh38, 1-based): chr19:10,985,340, G>T. VCF-style: chr19-10985340-G-T. GRCh37 (hg19) VCF-style: chr19-11096016-G-T.
Other names: c.290G>T, p.Gly97Val (NM_001128844.3, NM_001128845.2, NM_001128846.2 and 5 more transcripts); short protein forms G97V.
Identifiers: ClinVar variation 1372334 (VCV001372334.6), dbSNP rs1056057044, ClinGen allele CA404055230.

ClinVar aggregate classification (germline): Uncertain significance (1 of 4 stars; one submission).

Conditions:
Rhabdoid tumor predisposition syndrome 2 (RTPS2). Identifiers: Orphanet 231108, Orphanet 69077, MedGen C2750074, MONDO:0013224, OMIM 613325.

Submission:

Labcorp Genetics (formerly Invitae), Labcorp
Classification: Uncertain significance for Rhabdoid tumor predisposition syndrome 2. Last evaluated: 2021-08-09. Review status: criteria provided, single submitter. Criteria: Invitae Variant Classification Sherloc (09022015). Collection method: clinical testing. Allele origin: germline.
Comment: This sequence change replaces glycine with valine at codon 97 of the SMARCA4 protein (p.Gly97Val). The glycine residue is moderately conserved and there is a moderate physicochemical difference between glycine and valine. This variant is not present in population databases (ExAC no frequency). This variant has not been reported in the literature in individuals affected with SMARCA4-related conditions. Algorithms developed to predict the effect of missense changes on protein structure and function are either unavailable or do not agree on the potential impact of this missense change (SIFT: "Deleterious"; PolyPhen-2: "Possibly Damaging"; Align-GVGD: "Class C15"). Algorithms developed to predict the effect of sequence changes on RNA splicing suggest that this variant may create or strengthen a splice site. In summary, the available evidence is currently insufficient to determine the role of this variant in disease. Therefore, it has been classified as a Variant of Uncertain Significance.